The following is an entry in ClinVar:

NM_025074.7(FRAS1):c.11775T>A (p.Phe3925Leu)

Gene: FRAS1 (Fraser extracellular matrix complex subunit 1; plus strand). Cytogenetic location: 4q21.21.
Variant type: single nucleotide variant.
Coding change: c.11775T>A on transcript NM_025074.7 (MANE Select); coding-DNA position 11775, T replaced by A.
Protein change: p.Phe3925Leu; replaces phenylalanine 3925 with leucine.
Molecular consequence: missense variant.
Genome position (GRCh38, 1-based): chr4:78,540,860, T>A. VCF-style: chr4-78540860-T-A. GRCh37 (hg19) VCF-style: chr4-79462014-T-A.
Other names: short protein forms F3925L.
Identifiers: ClinVar variation 1469071 (VCV001469071.6), dbSNP rs368792355, ClinGen allele CA2979299.
Genomic context (GRCh38, chr4:78,540,860, plus strand): 5'-CATTGGCAGTGCCCTGGCTGCAATCATGCTTCTACTTCTGGTGTTTTTGGTGGCTTGTTT[T>A]ATCAACAGGAAATGCCAGAAACAGAGGAAGAAGAAGCCCGCAGAGGACATTTTGGAAGAA-3'
Protein context (NP_079350.5, residues 3915-3935): LLLLVFLVAC[Phe3925Leu]INRKCQKQRK

ClinVar aggregate classification (germline): Uncertain significance. Review status: criteria provided, multiple submitters, no conflicts (2 of 4 stars). 2 submissions from 2 submitters: Uncertain significance (2). Last evaluated 2025-01-15.

Conditions:
Fraser syndrome 1 (FRASRS1). Also called: CRYPTOPHTHALMOS WITH OTHER MALFORMATIONS. Identifiers: Orphanet 2052, MedGen C4551480, MONDO:0054737, OMIM 219000.

Allele frequency attached by ClinVar (database versions not stated): ExAC 0.00001; gnomAD 0.00001 and 0.00002; TOPMed 0.00002; ESP Exome Variant Server 0.00008.
gnomAD v4.1: 25 of 1,613,982 alleles (0.0015%); highest among the groups gnomAD compares: Middle Eastern, 0.066%; no homozygotes.

Submissions (2):

Labcorp Genetics (formerly Invitae), Labcorp
Classification: Uncertain significance. Last evaluated: 2025-01-15. Review status: criteria provided, single submitter. Criteria: Invitae Variant Classification Sherloc (09022015). Collection method: clinical testing. Allele origin: germline.
Comment: This sequence change replaces phenylalanine, which is neutral and non-polar, with leucine, which is neutral and non-polar, at codon 3925 of the FRAS1 protein (p.Phe3925Leu). This variant is present in population databases (rs368792355, gnomAD 0.0009%). This variant has not been reported in the literature in individuals affected with FRAS1-related conditions. ClinVar contains an entry for this variant (Variation ID: 1469071). Invitae Evidence Modeling of protein sequence and biophysical properties (such as structural, functional, and spatial information, amino acid conservation, physicochemical variation, residue mobility, and thermodynamic stability) indicates that this missense variant is not expected to disrupt FRAS1 protein function with a negative predictive value of 80%. In summary, the available evidence is currently insufficient to determine the role of this variant in disease. Therefore, it has been classified as a Variant of Uncertain Significance.

Fulgent Genetics
Classification: Uncertain significance for Fraser syndrome 1. Last evaluated: 2024-02-03. Review status: criteria provided, single submitter. Criteria: ACMG Guidelines, 2015. Collection method: clinical testing. Allele origin: germline.